The following is an entry in ClinVar:

NM_000071.3(CBS):c.381T>G (p.Ile127Met)

Gene: CBS (cystathionine beta-synthase; minus strand). Cytogenetic location: 21q22.3.
Variant type: single nucleotide variant.
Coding change: c.381T>G on transcript NM_000071.3 (MANE Select); coding-DNA position 381, T replaced by G.
Protein change: p.Ile127Met; replaces isoleucine 127 with methionine.
Molecular consequence: missense variant.
Genome position (GRCh38, 1-based): chr21:43,066,313, A>C on the plus strand (T>G on the coding strand, the complement: CBS is on the minus strand). VCF-style: chr21-43066313-A-C. GRCh37 (hg19) VCF-style: chr21-44486423-A-C.
Other names: c.381T>G, p.Ile127Met (NM_001178008.3, NM_001178009.3, NM_001320298.2); c.66T>G, p.Ile22Met (NM_001321072.1); c.381T>G (NM_000071.2); short protein forms I127M, I22M.
Identifiers: ClinVar variation 1057268 (VCV001057268.12), dbSNP rs199824647, ClinGen allele CA410601828.

ClinVar aggregate classification (germline): Uncertain significance. Review status: criteria provided, multiple submitters, no conflicts (2 of 4 stars). 4 submissions from 4 submitters: Uncertain significance (3). 1 of the submissions does not count toward it. Last evaluated 2026-09-11.

Conditions:
Familial thoracic aortic aneurysm and aortic dissection (TAAD). Also called: Thoracic aortic aneurysms and dissections. Identifiers: Orphanet 91387, MedGen C4707243, MONDO:0019625.
Classic homocystinuria. Also called: Homocystinuria due to Cystathionine Beta-Synthase Deficiency; HOMOCYSTINURIA WITH OR WITHOUT RESPONSE TO PYRIDOXINE; Homocystinuria due to CBS deficiency; Cystathionine beta-synthase deficiency; CBS deficiency. Identifiers: Orphanet 394, MedGen C0751202, MONDO:0009352, OMIM 236200.
HYPERHOMOCYSTEINEMIA, THROMBOTIC, CBS-RELATED. Identifiers: MedGen C3150344, OMIM 236200.

Submissions (4):

Ambry Genetics
Classification: Uncertain significance for Familial thoracic aortic aneurysm and aortic dissection. Last evaluated: 2026-09-11. Review status: criteria provided, single submitter. Criteria: Ambry Variant Classification Scheme 2023. Collection method: clinical testing. Allele origin: germline.
Comment: The p.I127M variant (also known as c.381T>G), located in coding exon 3 of the CBS gene, results from a T to G substitution at nucleotide position 381. The isoleucine at codon 127 is replaced by methionine, an amino acid with highly similar properties. In a massively parallel cell-based functional assay testing cell growth, this variant in the catalytic domain of the CBS protein exhibited intermediate (less than 60% of wild type) function in yeast (Sun S, et al. Genome Med, 2020 Jan;12:13). This amino acid position is not well conserved in available vertebrate species. In addition, the in silico prediction for this alteration is inconclusive. Based on the available evidence, the clinical significance of this variant remains unclear.

Labcorp Genetics (formerly Invitae), Labcorp
Classification: Uncertain significance for HYPERHOMOCYSTEINEMIA, THROMBOTIC, CBS-RELATED. Last evaluated: 2021-08-24. Review status: criteria provided, single submitter. Criteria: Invitae Variant Classification Sherloc (09022015). Collection method: clinical testing. Allele origin: germline.
Comment: This sequence change replaces isoleucine with methionine at codon 127 of the CBS protein (p.Ile127Met). The isoleucine residue is weakly conserved and there is a small physicochemical difference between isoleucine and methionine. This variant is not present in population databases (ExAC no frequency). This variant has not been reported in the literature in individuals affected with CBS-related conditions. Algorithms developed to predict the effect of missense changes on protein structure and function are either unavailable or do not agree on the potential impact of this missense change (SIFT: "Deleterious"; PolyPhen-2: "Probably Damaging"; Align-GVGD: "Class C0"). In summary, the available evidence is currently insufficient to determine the role of this variant in disease. Therefore, it has been classified as a Variant of Uncertain Significance.

Blueprint Genetics
Classification: Uncertain significance. Last evaluated: 2018-12-20. Review status: criteria provided, single submitter. Criteria: ACMG Guidelines, 2015. Collection method: clinical testing. Allele origin: germline.

Natera, Inc.
Classification: Uncertain significance for Homocystinuria due to cystathionine beta-synthase deficiency. Last evaluated: 2020-07-23. Review status: no assertion criteria provided. Collection method: clinical testing. Allele origin: germline. Not counted in ClinVar's aggregate classification.

Literature cited by the submitters: PubMed 32000841 (cited by Ambry Genetics).